The following is an entry in ClinVar:

NM_020971.3(SPTBN4):c.7149del (p.Pro2384fs)

Genes: SPTBN4 (spectrin beta, non-erythrocytic 4; plus strand), LOC130064467 (ATAC-STARR-seq lymphoblastoid silent region 10632; plus strand). Cytogenetic location: 19q13.2.
Variant type: Deletion.
Coding change: c.7149del on transcript NM_020971.3 (MANE Select); coding-DNA position 7149, one base deleted (G; older notation c.7149delG).
Protein change: p.Pro2384fs; shifts the reading frame from proline 2384.
Molecular consequence: frameshift variant.
Genome position (GRCh38, 1-based): chr19:40,570,558, G deleted; the last of 2 consecutive G bases (chr19:40,570,557-40,570,558); deleting either gives the same sequence. VCF-style (leftmost placement, unchanged base first): chr19-40570556-CG-C. GRCh37 (hg19) VCF-style: chr19-41076462-CG-C.
Other names: short protein forms P2384fs.
Identifiers: ClinVar variation 1709124 (VCV001709124.2), dbSNP rs2515236840, ClinGen allele CA2580097265.

ClinVar aggregate classification (germline): Likely pathogenic (1 of 4 stars; one submission).

Conditions:
Neurodevelopmental disorder with hypotonia, neuropathy, and deafness (NEDHND). Also called: SPTBN4 Disorder; Myopathy, congenital, with neuropathy and deafness. Identifiers: MedGen C4479603, MONDO:0060496, OMIM 617519.

Submission:

MGZ Medical Genetics Center
Classification: Likely pathogenic for Neurodevelopmental disorder with hypotonia, neuropathy, and deafness. Last evaluated: 2022-02-14. Review status: criteria provided, single submitter. Criteria: ACMG Guidelines, 2015. Collection method: clinical testing. Allele origin: germline. Affected: yes. Observed: 1 variant allele.
Comment: ACMG criteria applied: PVS1, PM2_SUP